The following is an entry in ClinVar:

ClinVar aggregate classification (germline): Pathogenic. Review status: criteria provided, multiple submitters, no conflicts (2 of 4 stars). 4 submissions from 4 submitters: Pathogenic (2). 2 of the submissions do not count toward it. Last evaluated 2022-04-07.

Conditions:
Polycystic kidney disease, adult type (PKD1). Also called: POLYCYSTIC KIDNEY DISEASE, ADULT, TYPE I; Polycystic Kidney Disease 1, Autosomal Dominant; Polycystic kidney disease 1; Polycystic kidney disease 1, severe; Polycystic Kidney, Autosomal Dominant; POLYCYSTIC KIDNEY DISEASE 1 WITH OR WITHOUT POLYCYSTIC LIVER DISEASE. Identifiers: MedGen C3149841, MONDO:0008263, OMIM 173900.
Polycystic kidney disease. Also called: Polycystic kidney dysplasia; Kidney, Polycystic. Identifiers: MedGen C0022680, MeSH D007690, MONDO:0020642, HP:0000113.
PKD1-related disorder. Also called: PKD1-related condition.

gnomAD v4.1: 1 of 1,530,262 alleles (0.000065%); highest among the groups gnomAD compares: Non-Finnish European, 0.000088%; no homozygotes.

Submissions (4):

GeneDx
Classification: Pathogenic. Last evaluated: 2022-04-07. Review status: criteria provided, single submitter. Criteria: GeneDx Variant Classification Process June 2021. Collection method: clinical testing. Allele origin: germline. Affected: yes.
Comment: Nonsense variant predicted to result in protein truncation or nonsense mediated decay in a gene for which loss of function is a known mechanism of disease; Not observed at significant frequency in large population cohorts (gnomAD); This variant is associated with the following publications: (PMID: 25525159, 11115377)

Molecular Biology Laboratory, Fundació Puigvert
Classification: Pathogenic for Polycystic kidney disease, adult type. Last evaluated: 2020-02-01. Review status: criteria provided, single submitter. Criteria: ACMG Guidelines, 2015. Collection method: research. Allele origin: paternal. Affected: yes. Study: KidneyPanel_2020.

PreventionGenetics, part of Exact Sciences
Classification: Pathogenic for PKD1-related condition. Last evaluated: 2024-09-25. Review status: no assertion criteria provided. Collection method: clinical testing. Allele origin: germline. Not counted in ClinVar's aggregate classification.
Comment: The PKD1 c.2113C>T variant is predicted to result in premature protein termination (p.Gln705*). This variant was reported in individuals with autosomal dominant polycystic kidney disease (ADPKD) (see for example, Rossetti et al. 2001. PubMed ID: 11115377; Supplementary Table 2, Domingo-Gallego et al. 2022. PubMed ID: 33532864). This variant has not been reported in a large population database, indicating this variant is rare. Nonsense variants in PKD1 are expected to be pathogenic. This variant is interpreted as pathogenic.

Department of Pathology and Laboratory Medicine, Sinai Health System
Classification: Pathogenic for Polycystic Kidney disease. Review status: no assertion criteria provided. Collection method: clinical testing. Allele origin: unknown. Affected: yes. Study: The Canadian Open Genetics Repository (COGR). Not counted in ClinVar's aggregate classification.
Comment: The PKD1 p.Gln705* variant was identified in 1 of 262 proband chromosomes (frequency: 0.004) from individuals or families with autosomal dominant polycystic kidney disease (Rossetti 2001). The variant was also identified in ADPKD Mutation Database (observed 1x). The variant was not identified in dbSNP, ClinVar, LOVD 3.0, PKD1-LOVD, Exome Aggregation Consortium (August 8th 2016) or the Genome Aggregation Database (Feb 27, 2017). The c.2113C>T variant leads to a premature stop codon at position 705, which is predicted to lead to a truncated or absent protein and loss of function. Loss of function variants of the PKD1 gene are an established mechanism of disease in autosomal dominant polycystic kidney disease and is the type of variant expected to cause the disorder. In summary, based on the above information, this variant meets our laboratoryâ€šÃ„Ã´s criteria to be classified as pathogenic.

Literature cited by the submitters: PubMed 33532864 (cited by Molecular Biology Laboratory, Fundació Puigvert).

NM_001009944.3(PKD1):c.2113C>T (p.Gln705Ter)

Gene: PKD1 (polycystin 1, transient receptor potential channel interacting; minus strand). Cytogenetic location: 16p13.3.
Variant type: single nucleotide variant.
Coding change: c.2113C>T on transcript NM_001009944.3 (MANE Select); coding-DNA position 2113, C replaced by T.
Protein change: p.Gln705Ter; replaces glutamine 705 with a stop codon.
Molecular consequence: nonsense.
Genome position (GRCh38, 1-based): chr16:2,114,910, G>A on the plus strand (C>T on the coding strand, the complement: PKD1 is on the minus strand). VCF-style: chr16-2114910-G-A. GRCh37 (hg19) VCF-style: chr16-2164911-G-A.
Other names: c.2113C>T, p.Gln705Ter (NM_000296.4); c.2113C>T (NM_001009944.2); short protein forms Q705*.
Identifiers: ClinVar variation 974442 (VCV000974442.5), dbSNP rs2092604224, ClinGen allele CA394389370.